The following is an entry in ClinVar:

NM_004385.5(VCAN):c.9560G>A (p.Arg3187Gln)

Genes: VCAN (versican; plus strand), VCAN-AS1 (VCAN antisense RNA 1; minus strand). Cytogenetic location: 5q14.3.
Variant type: single nucleotide variant.
Coding change: c.9560G>A on transcript NM_004385.5 (MANE Select); coding-DNA position 9560, G replaced by A.
Protein change: p.Arg3187Gln; replaces arginine 3187 with glutamine.
Molecular consequence: missense variant.
Genome position (GRCh38, 1-based): chr5:83,553,430, G>A. VCF-style: chr5-83553430-G-A. GRCh37 (hg19) VCF-style: chr5-82849249-G-A.
Other names: c.1337G>A, p.Arg446Gln (NM_001126336.3); c.6599G>A, p.Arg2200Gln (NM_001164097.2); c.4298G>A, p.Arg1433Gln (NM_001164098.2); c.9560G>A (NM_004385.4); short protein forms R1433Q, R2200Q, R3187Q, R446Q.
Identifiers: ClinVar variation 1092054 (VCV001092054.11), dbSNP rs373863261, ClinGen allele CA3334040.
Genomic context (GRCh38, chr5:83,553,430, plus strand): 5'-AGACATGTGACTATGGCTGGCACAAATTCCAAGGGCAGTGCTACAAATACTTTGCCCATC[G>A]ACGCACATGGGATGCAGCTGAACGGGAATGCCGTCTGCAGGGTGCCCATCTCACAAGCAT-3'
Protein context (NP_004376.2, residues 3177-3197): QGQCYKYFAH[Arg3187Gln]RTWDAAEREC

ClinVar aggregate classification (germline): Likely benign. Review status: criteria provided, multiple submitters, no conflicts (2 of 4 stars). 3 submissions from 3 submitters: Likely benign (3). Last evaluated 2025-12-31.

Conditions:
VCAN-related disorder. Also called: VCAN-related condition.

Allele frequency attached by ClinVar (database versions not stated): gnomAD exomes 0.00004 and 0.00023; gnomAD 0.00006 and 0.00009; TOPMed 0.00008; ExAC 0.00018; 1000 Genomes Project 30x 0.00078.
gnomAD v4.1: 83 of 1,613,996 alleles (0.0051%); highest among the groups gnomAD compares: East Asian, 0.15%; no homozygotes.

Submissions (3):

PreventionGenetics, part of Exact Sciences
Classification: Likely benign for VCAN-related condition. Last evaluated: 2025-12-31. Review status: criteria provided, single submitter. Criteria: ACMG Guidelines, 2015. Collection method: clinical testing. Allele origin: germline.
Comment: This variant is classified as likely benign based on ACMG/AMP sequence variant interpretation guidelines (Richards et al. 2015 PMID: 25741868, with internal and published modifications).

Labcorp Genetics (formerly Invitae), Labcorp
Classification: Likely benign. Last evaluated: 2025-09-23. Review status: criteria provided, single submitter. Criteria: Invitae Variant Classification Sherloc (09022015). Collection method: clinical testing. Allele origin: germline.

Blueprint Genetics
Classification: Likely benign. Last evaluated: 2024-01-30. Review status: criteria provided, single submitter. Criteria: ACMG Guidelines, 2015. Collection method: clinical testing. Allele origin: germline.